The following is an entry in ClinVar:

NM_014285.7(EXOSC2):c.31C>T (p.Arg11Cys)

Gene: EXOSC2 (exosome component 2; plus strand). Cytogenetic location: 9q34.12.
Variant type: single nucleotide variant.
Coding change: c.31C>T on transcript NM_014285.7 (MANE Select); coding-DNA position 31, C replaced by T.
Protein change: p.Arg11Cys; replaces arginine 11 with cysteine.
Molecular consequence: missense variant. On other transcripts: non-coding transcript variant (1).
Genome position (GRCh38, 1-based): chr9:130,693,822, C>T. VCF-style: chr9-130693822-C-T. GRCh37 (hg19) VCF-style: chr9-133569209-C-T.
Other names: c.31C>T, p.Arg11Cys (NM_001282708.1, NM_001282709.1); short protein forms R11C.
Identifiers: ClinVar variation 2052094 (VCV002052094.4), dbSNP rs1361769558, ClinGen allele CA375245915.

ClinVar aggregate classification (germline): Uncertain significance (1 of 4 stars; one submission).

Submission:

Labcorp Genetics (formerly Invitae), Labcorp
Classification: Uncertain significance. Last evaluated: 2025-03-31. Review status: criteria provided, single submitter. Criteria: Invitae Variant Classification Sherloc (09022015). Collection method: clinical testing. Allele origin: germline.
Comment: This sequence change replaces arginine, which is basic and polar, with cysteine, which is neutral and slightly polar, at codon 11 of the EXOSC2 protein (p.Arg11Cys). This variant is not present in population databases (gnomAD no frequency). This variant has not been reported in the literature in individuals affected with EXOSC2-related conditions. ClinVar contains an entry for this variant (Variation ID: 2052094). An algorithm developed to predict the effect of missense changes on protein structure and function (PolyPhen-2) suggests that this variant is likely to be tolerated. In summary, the available evidence is currently insufficient to determine the role of this variant in disease. Therefore, it has been classified as a Variant of Uncertain Significance.